The following is an entry in ClinVar:

NM_001079802.2(FKTN):c.-77A>G

Gene: FKTN (fukutin; plus strand). Cytogenetic location: 9q31.2.
Variant type: single nucleotide variant.
Coding change: c.-77A>G on transcript NM_001079802.2 (MANE Select); 77 bases upstream of the start codon, A replaced by G.
Molecular consequence: 5 prime UTR variant. On other transcripts: non-coding transcript variant (2).
Genome position (GRCh38, 1-based): chr9:105,574,956, A>G. VCF-style: chr9-105574956-A-G. GRCh37 (hg19) VCF-style: chr9-108337237-A-G.
Other names: c.-77A>G (NM_001198963.2, NM_001351496.2, NM_001351498.2 and 1 more transcripts); c.-244A>G (NM_001351497.2); c.-591A>G (NM_001351499.2, NM_001351500.2, NM_001351501.2 and 1 more transcripts).
Identifiers: ClinVar variation 162564 (VCV000162564.5), dbSNP rs188804693, ClinGen allele CA295348.
Genomic context (GRCh38, chr9:105,574,956, plus strand): 5'-AAAATTAAAGAGGTTTTTGTTTCTTTAAAAATATCTTTTTTGTTCACAGAAAACAAAATT[A>G]TCTTCCTTTCCAAATCCAAAAAGATGAAAACGACTGAGATACTTTCAAAAGACAACCAAG-3'

ClinVar aggregate classification (germline): Conflicting classifications of pathogenicity. Review status: criteria provided, conflicting classifications (1 of 4 stars). 3 submissions from 2 submitters: Uncertain significance (2); Benign (1). Last evaluated 2018-01-13.

Conditions:
Muscular dystrophy-dystroglycanopathy (congenital with brain and eye anomalies), type A, 4 (MDDGA4). Also called: Congenital muscular dystrophy-dystroglycanopathy with brain and eye anomalies, type A4; Walker-Warburg Syndrome, Fktn-Related; WALKER-WARBURG SYNDROME OR MUSCLE-EYE-BRAIN DISEASE, FKTN-RELATED; Muscular dystrophy, congenital progressive, with mental retardation; Muscular dystrophy, congenital, with central nervous system involvement; Cerebromuscular dystrophy, Fukuyama type. Identifiers: Orphanet 272, Orphanet 588, Orphanet 899, MedGen C0410174, MONDO:0009678, OMIM 253800.
Dilated cardiomyopathy 1X (CMD1X). Also called: FKTN-Related Dilated Cardiomyopathy; CARDIOMYOPATHY, DILATED, WITH MILD OR NO PROXIMAL MUSCLE WEAKNESS. Identifiers: Orphanet 154, MedGen C1969024, MONDO:0012704, OMIM 611615.

Allele frequency attached by ClinVar (database versions not stated): 1000 Genomes Project 0.00020; 1000 Genomes Project 30x 0.00031; gnomAD 0.00054 and 0.00057; TOPMed 0.00072; gnomAD exomes 0.00075.
gnomAD v4.1: 601 of 851,428 alleles (0.071%); highest among the groups gnomAD compares: Non-Finnish European, 0.11%; 1 homozygote.

Submissions (3):

Illumina Laboratory Services, Illumina
Classification: Uncertain significance for Muscular dystrophy-dystroglycanopathy (congenital with brain and eye anomalies), type A, 4. Last evaluated: 2018-01-13. Review status: criteria provided, single submitter. Criteria: ICSL Variant Classification Criteria 13 December 2019. Collection method: clinical testing. Allele origin: germline.

Illumina Laboratory Services, Illumina
Classification: Uncertain significance for Dilated cardiomyopathy 1X. Last evaluated: 2018-01-13. Review status: criteria provided, single submitter. Criteria: ICSL Variant Classification Criteria 13 December 2019. Collection method: clinical testing. Allele origin: germline.

GeneDx
Classification: Benign. Last evaluated: 2014-06-16. Review status: criteria provided, single submitter. Criteria: GeneDx Variant Classification (06012015). Collection method: clinical testing. Allele origin: germline. Affected: yes.
Comment: This variant is considered likely benign or benign based on one or more of the following criteria: it is a conservative change, it occurs at a poorly conserved position in the protein, it is predicted to be benign by multiple in silico algorithms, and/or has population frequency not consistent with disease.